The following is an entry in ClinVar:

ClinVar aggregate classification (germline): Likely benign. Review status: reviewed by expert panel (3 of 4 stars). 6 submissions from 6 submitters: Likely benign (1). 5 of the submissions do not count toward it. Last evaluated 2025-11-04.

Conditions:
VWF-related disorder. Also called: VWF-related condition; VWF-related disorders.
Hereditary von Willebrand disease. Identifiers: Orphanet 903, MedGen C5703318, MONDO:0019565. Inheritance: Autosomal recessive or Autosomal dominant.

Allele frequency attached by ClinVar (database versions not stated): gnomAD exomes 0.00045 and 0.00108; ExAC 0.00128; 1000 Genomes Project 30x 0.00359; gnomAD 0.00403 and 0.00436; 1000 Genomes Project 0.00439; ESP Exome Variant Server 0.00469; TOPMed 0.00490.
gnomAD v4.1: 1,328 of 1,614,134 alleles (0.082%); highest among the groups gnomAD compares: African/African-American, 1.3%; 10 homozygotes.

Submissions (6):

ClinGen von Willebrand Disease Variant Curation Expert Panel, ClinGen
Classification: Likely benign for Hereditary von Willebrand disease. Last evaluated: 2025-11-04. Review status: reviewed by expert panel. Criteria: ClinGen VWD 2A B M Rules. Collection method: curation. Allele origin: germline.
Comment: The NM_000552.5:c.1037C>T variant in VWF is a missense variant predicted to cause substitution of threonine by isoleucine at amino acid 346. The variant has been reported in the literature in individuals associated with control or unaffected cohorts. In a single report of a case with asserted VWD type 1, the laboratory phenotype was not consistent with VWD. The variant was also reported to LOVD but no additional details were in the record. The Grpmax filtering allele frequency in gnomAD v4.1 is 0.01275 (based on 1008/75020 alleles in the African/African American population, including 10 homozygotes), which is higher than the ClinGen VWD VCEP threshold of >0.01 for BS1. In summary, this variant meets the criteria to be classified as likely benign for hereditary von Willebrand disease based on the ACMG/AMP criteria applied, as specified by the ClinGen VWD VCEP: BS1. ( Required: add VCEP specifications version#; date of approval)

PreventionGenetics, part of Exact Sciences
Classification: Likely benign for VWF-related condition. Last evaluated: 2026-03-24. Review status: criteria provided, single submitter. Criteria: ACMG Guidelines, 2015. Collection method: clinical testing. Allele origin: germline. Not counted in ClinVar's aggregate classification.
Comment: This variant is classified as likely benign based on ACMG/AMP sequence variant interpretation guidelines (Richards et al. 2015 PMID: 25741868, with internal and published modifications).

Quest Diagnostics Nichols Institute San Juan Capistrano
Classification: Uncertain significance. Last evaluated: 2025-11-06. Review status: criteria provided, single submitter. Criteria: Quest Diagnostics criteria. Collection method: clinical testing. Allele origin: unknown. Not counted in ClinVar's aggregate classification.
Comment: The VWF c.1037C>T (p.Thr346Ile) variant has been reported in the published literature in reportedly unaffected individuals (PMID: 22197721 (2012), 23216583 (2013), 33556167 (2021)). The frequency of this variant in the general population (Genome Aggregation Database) is higher than would generally be expected for pathogenic variants in this gene. Analysis of this variant using bioinformatics tools for the prediction of the effect of amino acid changes on protein structure and function yielded conflicting predictions that this variant is benign or damaging. Based on the available information, we are unable to determine the clinical significance of this variant.

Mayo Clinic Laboratories, Mayo Clinic
Classification: Likely benign. Last evaluated: 2025-02-05. Review status: criteria provided, single submitter. Criteria: ACMG Guidelines, 2015. Collection method: clinical testing. Allele origin: germline. Observed: 1 variant allele. Not counted in ClinVar's aggregate classification.
Comment: BS1

ARUP Laboratories, Molecular Genetics and Genomics, ARUP Laboratories
Classification: Likely benign. Last evaluated: 2024-11-19. Review status: criteria provided, single submitter. Criteria: ARUP Molecular Germline Variant Investigation Process 2024. Collection method: clinical testing. Allele origin: germline. Not counted in ClinVar's aggregate classification.

Breakthrough Genomics
Classification: Uncertain significance. Review status: criteria provided, single submitter. Criteria: ACMG Guidelines, 2015. Collection method: not provided. Allele origin: germline. Inheritance: Autosomal recessive inheritance. Affected: yes. Not counted in ClinVar's aggregate classification.

Literature cited by the submitters: PubMed 26420797 (cited by Quest Diagnostics Nichols Institute San Juan Capistrano); PubMed 22197721 (cited by Quest Diagnostics Nichols Institute San Juan Capistrano); PubMed 23216583 (cited by Quest Diagnostics Nichols Institute San Juan Capistrano); PubMed 33556167 (cited by Quest Diagnostics Nichols Institute San Juan Capistrano).

NM_000552.5(VWF):c.1037C>T (p.Thr346Ile)

Gene: VWF (von Willebrand factor; minus strand). Cytogenetic location: 12p13.31.
Variant type: single nucleotide variant.
Coding change: c.1037C>T on transcript NM_000552.5 (MANE Select); coding-DNA position 1037, C replaced by T.
Protein change: p.Thr346Ile; replaces threonine 346 with isoleucine.
Molecular consequence: missense variant.
Genome position (GRCh38, 1-based): chr12:6,072,403, G>A on the plus strand (C>T on the coding strand, the complement: VWF is on the minus strand). VCF-style: chr12-6072403-G-A. GRCh37 (hg19) VCF-style: chr12-6181569-G-A.
Other names: p.Thr346Ile; NM_000552.5(VWF):c.1037C>T; short protein forms T346I.
Identifiers: ClinVar variation 801292 (VCV000801292.12), dbSNP rs111971143, ClinGen allele CA6403580.
Genomic context (GRCh38, chr12:6,072,403, plus strand): 5'-TCTCGAGAGAGGGAGGTGCCGGGAGGGTAGCGCTTTCCGGAATGCACGCAGGGACACTCG[G>A]TGCTCTCCACGCAGAGGCCTTCATCCAGGAGCTGTCCCTCTGGGGTCAAGGGCATCAAGA-3'
Protein context (NP_000543.3, residues 336-356): LLDEGLCVES[Thr346Ile]ECPCVHSGKR